The following is an entry in ClinVar:

NM_001145026.2(PTPRQ):c.4921C>A (p.Pro1641Thr)

Gene: PTPRQ (protein tyrosine phosphatase receptor type Q; plus strand). Cytogenetic location: 12q21.31.
Variant type: single nucleotide variant.
Coding change: c.4921C>A on transcript NM_001145026.2 (MANE Select); coding-DNA position 4921, C replaced by A.
Protein change: p.Pro1641Thr; replaces proline 1641 with threonine.
Molecular consequence: missense variant.
Genome position (GRCh38, 1-based): chr12:80,613,594, C>A. VCF-style: chr12-80613594-C-A. GRCh37 (hg19) VCF-style: chr12-81007373-C-A.
Other names: short protein forms P1641T.
Identifiers: ClinVar variation 3899654 (VCV003899654.1).

ClinVar aggregate classification (germline): Uncertain significance (1 of 4 stars; one submission).

Submission:

GeneDx
Classification: Uncertain significance. Last evaluated: 2024-11-14. Review status: criteria provided, single submitter. Criteria: GeneDx Variant Classification Process June 2021. Collection method: clinical testing. Allele origin: germline. Affected: yes.
Comment: Not observed at significant frequency in large population cohorts (gnomAD); In silico analysis supports that this missense variant has a deleterious effect on protein structure/function; Has not been previously published as pathogenic or benign to our knowledge